The following is an entry in ClinVar:

ClinVar aggregate classification (germline): Benign/Likely benign. Review status: criteria provided, multiple submitters, no conflicts (2 of 4 stars). 20 submissions from 13 submitters: Benign (18); Likely benign (2). Last evaluated 2026-02-04.

Conditions:
Cardiovascular phenotype. Identifiers: MedGen CN230736.
Dilated cardiomyopathy 1G (CMD1G). Identifiers: Orphanet 154, MedGen C1858763, MONDO:0011400, OMIM 604145.
Autosomal recessive limb-girdle muscular dystrophy type 2J (LGMDR10). Also called: MUSCULAR DYSTROPHY, LIMB-GIRDLE, AUTOSOMAL RECESSIVE 10; Limb-girdle muscular dystrophy, type 2J. Identifiers: Orphanet 140922, MedGen C1837342, MONDO:0012127, OMIM 608807.
Early-onset myopathy with fatal cardiomyopathy (CMYO5). Also called: CONGENITAL MYOPATHY 5 WITH CARDIOMYOPATHY; Salih Myopathy. Identifiers: Orphanet 289377, MedGen C2673677, MONDO:0012714, OMIM 611705. Disease mechanism: loss of function.
Tibial muscular dystrophy (TMD). Also called: Udd Distal Myopathy – Tibial Muscular Dystrophy; Tibial muscular dystrophy, tardive; UDD MYOPATHY. Identifiers: Orphanet 609, MedGen C1838244, MONDO:0010870, OMIM 600334.
Myopathy, myofibrillar, 9, with early respiratory failure (MFM9). Also called: Myopathy, distal, with early respiratory failure, autosomal dominant; Hereditary myopathy with early respiratory failure; MYOPATHY, PROXIMAL, WITH EARLY RESPIRATORY MUSCLE INVOLVEMENT; EDSTROM MYOPATHY. Identifiers: Orphanet 178464, Orphanet 34521, MedGen C1863599, MONDO:0011362, OMIM 603689.

Allele frequency attached by ClinVar (database versions not stated): gnomAD 0.08349; TOPMed 0.10277; 1000 Genomes Project 0.12740; ESP Exome Variant Server 0.07832; 1000 Genomes Project 30x 0.12836.
gnomAD v4.1: 80,682 of 1,608,816 alleles (5%); highest among the groups gnomAD compares: African/African-American, 20%; 4,664 homozygotes.

Submissions (20):

Labcorp Genetics (formerly Invitae), Labcorp
Classification: Benign for Dilated cardiomyopathy 1G; Autosomal recessive limb-girdle muscular dystrophy type 2J. Last evaluated: 2026-02-04. Review status: criteria provided, single submitter. Criteria: Invitae Variant Classification Sherloc (09022015). Collection method: clinical testing. Allele origin: germline.

Molecular Diagnostic Laboratory for Inherited Cardiovascular Disease, Montreal Heart Institute
Classification: Benign. Last evaluated: 2025-04-09. Review status: criteria provided, single submitter. Criteria: ACMG Guidelines, 2015. Collection method: clinical testing. Allele origin: germline. Affected: no.

Genome-Nilou Lab
Classification: Benign for Autosomal recessive limb-girdle muscular dystrophy type 2J. Last evaluated: 2021-09-10. Review status: criteria provided, single submitter. Criteria: ACMG Guidelines, 2015. Collection method: clinical testing. Allele origin: germline. Affected: no.

Genome-Nilou Lab
Classification: Benign for Myopathy, myofibrillar, 9, with early respiratory failure. Last evaluated: 2021-09-10. Review status: criteria provided, single submitter. Criteria: ACMG Guidelines, 2015. Collection method: clinical testing. Allele origin: germline. Affected: no.

Genome-Nilou Lab
Classification: Benign for Early-onset myopathy with fatal cardiomyopathy. Last evaluated: 2021-09-10. Review status: criteria provided, single submitter. Criteria: ACMG Guidelines, 2015. Collection method: clinical testing. Allele origin: germline. Affected: no.

Genome-Nilou Lab
Classification: Benign for Tibial muscular dystrophy. Last evaluated: 2021-09-10. Review status: criteria provided, single submitter. Criteria: ACMG Guidelines, 2015. Collection method: clinical testing. Allele origin: germline. Affected: no.

Women's Health and Genetics/Laboratory Corporation of America, LabCorp
Classification: Likely benign. Last evaluated: 2020-08-18. Review status: criteria provided, single submitter. Criteria: LabCorp Variant Classification Summary - May 2015. Collection method: clinical testing. Allele origin: germline.

Illumina Laboratory Services, Illumina
Classification: Benign for Tibial muscular dystrophy. Last evaluated: 2018-01-13. Review status: criteria provided, single submitter. Criteria: ICSL Variant Classification Criteria 13 December 2019. Collection method: clinical testing. Allele origin: germline.
Comment: This variant was observed in the ICSL laboratory as part of a predisposition screen in an ostensibly healthy population. It had not been previously curated by ICSL or reported in the Human Gene Mutation Database (HGMD: prior to June 1st, 2018), and was therefore a candidate for classification through an automated scoring system. Utilizing variant allele frequency, disease prevalence and penetrance estimates, and inheritance mode, an automated score was calculated to assess if this variant is too frequent to cause the disease. Based on the score and internal cut-off values, a variant classified as benign is not then subjected to further curation. The score for this variant resulted in a classification of benign for this disease.

Illumina Laboratory Services, Illumina
Classification: Benign for Myopathy, myofibrillar, 9, with early respiratory failure. Last evaluated: 2018-01-13. Review status: criteria provided, single submitter. Criteria: ICSL Variant Classification Criteria 13 December 2019. Collection method: clinical testing. Allele origin: germline.
Comment: the same text as in the submission from Illumina Laboratory Services, Illumina above.

Illumina Laboratory Services, Illumina
Classification: Benign for Dilated cardiomyopathy 1G. Last evaluated: 2018-01-13. Review status: criteria provided, single submitter. Criteria: ICSL Variant Classification Criteria 13 December 2019. Collection method: clinical testing. Allele origin: germline.
Comment: the same text as in the submission from Illumina Laboratory Services, Illumina above.

Illumina Laboratory Services, Illumina
Classification: Benign for Autosomal recessive limb-girdle muscular dystrophy type 2J. Last evaluated: 2018-01-13. Review status: criteria provided, single submitter. Criteria: ICSL Variant Classification Criteria 13 December 2019. Collection method: clinical testing. Allele origin: germline.
Comment: the same text as in the submission from Illumina Laboratory Services, Illumina above.

Illumina Laboratory Services, Illumina
Classification: Benign for Early-onset myopathy with fatal cardiomyopathy. Last evaluated: 2018-01-13. Review status: criteria provided, single submitter. Criteria: ICSL Variant Classification Criteria 13 December 2019. Collection method: clinical testing. Allele origin: germline.
Comment: the same text as in the submission from Illumina Laboratory Services, Illumina above.

Mayo Clinic Laboratories, Mayo Clinic
Classification: Benign. Last evaluated: 2017-08-24. Review status: criteria provided, single submitter. Criteria: ACMG Guidelines, 2015. Collection method: clinical testing. Allele origin: germline. Observed: 291 variant alleles.

Genetic Services Laboratory, University of Chicago
Classification: Benign for AllHighlyPenetrant. Last evaluated: 2013-08-15. Review status: criteria provided, single submitter. Criteria: ACMG Guidelines, 2007. Collection method: clinical testing. Allele origin: germline.

Biesecker Lab/Clinical Genomics Section, National Institutes of Health
Classification: Benign. Last evaluated: 2013-06-24. Review status: criteria provided, single submitter. Criteria: Ng et al. (Circ Cardiovasc Genet. 2013). Collection method: research. Allele origin: unknown. Observed: 52 variant alleles. Study: ClinSeq.
Comment: The study set was not selected for affection status in relation to any cancer. Pathogenicity categories were based on literature curation. See Pubmed ID:23861362 for details.

Medical sequencing

Ambry Genetics
Classification: Benign for Cardiovascular phenotype. Last evaluated: 2013-01-16. Review status: criteria provided, single submitter. Criteria: Ambry Autosomal Dominant and X-Linked criteria (10/2015). Collection method: clinical testing. Allele origin: germline. Observed: 1 variant allele.

GeneDx
Classification: Benign. Last evaluated: 2012-10-26. Review status: criteria provided, single submitter. Criteria: GeneDx Variant Classification (06012015). Collection method: clinical testing. Allele origin: germline. Affected: yes.
Comment: This variant is considered likely benign or benign based on one or more of the following criteria: it is a conservative change, it occurs at a poorly conserved position in the protein, it is predicted to be benign by multiple in silico algorithms, and/or has population frequency not consistent with disease.

Laboratory for Molecular Medicine, Mass General Brigham Personalized Medicine
Classification: Benign. Last evaluated: 2011-09-27. Review status: criteria provided, single submitter. Criteria: LMM Criteria. Collection method: clinical testing. Allele origin: germline. Observed: 238 variant alleles.

Breakthrough Genomics
Classification: Likely benign. Review status: criteria provided, single submitter. Criteria: ACMG Guidelines, 2015. Collection method: not provided. Allele origin: germline. Inheritance: Autosomal recessive inheritance. Affected: yes.

PreventionGenetics, part of Exact Sciences
Classification: Benign. Review status: criteria provided, single submitter. Criteria: ACMG Guidelines, 2015. Collection method: clinical testing. Allele origin: germline.

NM_001267550.2(TTN):c.29153T>C (p.Ile9718Thr)

Gene: TTN (titin; minus strand). Cytogenetic location: 2q31.2.
Variant type: single nucleotide variant.
Coding change: c.29153T>C on transcript NM_001267550.2 (MANE Select); coding-DNA position 29153, T replaced by C.
Protein change: p.Ile9718Thr; replaces isoleucine 9718 with threonine.
Molecular consequence: missense variant. On other transcripts: intron variant (3).
Genome position (GRCh38, 1-based): chr2:178,706,721, A>G on the plus strand (T>C on the coding strand, the complement: TTN is on the minus strand). VCF-style: chr2-178706721-A-G. GRCh37 (hg19) VCF-style: chr2-179571448-A-G.
Other names: p.I8474T:ATT>ACT; c.28202T>C, p.Ile9401Thr (NM_001256850.1); c.25421T>C, p.Ile8474Thr (NM_133378.4); c.13282+31361T>C (NM_003319.4); c.13858+31361T>C (NM_133437.4); c.13657+31361T>C (NM_133432.3); short protein forms I9718T, I8474T, I9401T.
Identifiers: ClinVar variation 46818 (VCV000046818.31), dbSNP rs4893852, ClinGen allele CA283041.